The following is an entry in ClinVar:

NM_020843.4(SCAPER):c.2486G>A (p.Arg829His)

Gene: SCAPER (S-phase cyclin A associated protein in the ER; minus strand). Cytogenetic location: 15q24.3.
Variant type: single nucleotide variant.
Coding change: c.2486G>A on transcript NM_020843.4 (MANE Select); coding-DNA position 2486, G replaced by A.
Protein change: p.Arg829His; replaces arginine 829 with histidine.
Molecular consequence: missense variant. On other transcripts: non-coding transcript variant (1).
Genome position (GRCh38, 1-based): chr15:76,701,780, C>T on the plus strand (G>A on the coding strand, the complement: SCAPER is on the minus strand). VCF-style: chr15-76701780-C-T. GRCh37 (hg19) VCF-style: chr15-76994121-C-T.
Other names: c.2504G>A (NM_001353009.1); c.1748G>A, p.Arg583His (NM_001145923.2); c.2504G>A, p.Arg835His (NM_001353009.2); c.2084G>A, p.Arg695His (NM_001353010.2, NM_001353012.2); c.2102G>A, p.Arg701His (NM_001353011.2); short protein forms R583H, R701H, R829H, R695H, R835H.
Identifiers: ClinVar variation 3158285 (VCV003158285.2), dbSNP rs1053504919, ClinGen allele CA273584932.
Genomic context (GRCh38, chr15:76,701,780, plus strand): 5'-TCAATAAACAATTGTAAATGAACAAAAATAAAGTTTACCACTTCTTCATCTGACAGTTCA[C>T]GCCCCTGGATGCTGGTATTCTCTCTCACGGCTTGCTGGTGTTTTCTCCCTTTAACATGGC-3'
Protein context (NP_065894.2, residues 819-839): AVRENTSIQG[Arg829His]ELSDEEVEHL

ClinVar aggregate classification (germline): Uncertain significance. Review status: criteria provided, multiple submitters, no conflicts (2 of 4 stars). 2 submissions from 2 submitters: Uncertain significance (2). Last evaluated 2024-10-28.

Conditions:
Inborn genetic diseases. Identifiers: MedGen C0950123, MeSH D030342.
SCAPER-related disorder. Also called: SCAPER-related condition.

Allele frequency attached by ClinVar (database versions not stated): TOPMed below 0.00001; gnomAD exomes 0.00001.
gnomAD v4.1: 8 of 1,613,702 alleles (0.0005%); highest among the groups gnomAD compares: African/African-American, 0.0027%; no homozygotes.

Submissions (2):

PreventionGenetics, part of Exact Sciences
Classification: Uncertain significance for SCAPER-related condition. Last evaluated: 2024-10-28. Review status: criteria provided, single submitter. Criteria: ACMG Guidelines, 2015. Collection method: clinical testing. Allele origin: germline.
Comment: The SCAPER c.2504G>A variant is predicted to result in the amino acid substitution p.Arg835His. To our knowledge, this variant has not been reported in the literature. This variant is reported in 0.013% of alleles in individuals of African descent in gnomAD. At this time, the clinical significance of this variant is uncertain due to the absence of conclusive functional and genetic evidence.

Ambry Genetics
Classification: Uncertain significance for Inborn genetic diseases. Last evaluated: 2024-03-04. Review status: criteria provided, single submitter. Criteria: Ambry Variant Classification Scheme 2023. Collection method: clinical testing. Allele origin: germline.